The following is an entry in ClinVar:

ClinVar aggregate classification (germline): Pathogenic (1 of 4 stars; one submission).

Submission:

GeneDx
Classification: Pathogenic. Last evaluated: 2025-04-09. Review status: criteria provided, single submitter. Criteria: GeneDx Variant Classification Process June 2021. Collection method: clinical testing. Allele origin: germline. Affected: yes.
Comment: Canonical splice site variant predicted to result in a null allele in a gene for which loss of function is a known mechanism of disease; Not observed at significant frequency in large population cohorts (gnomAD); Has not been previously published as pathogenic or benign to our knowledge

NM_001374828.1(ARID1B):c.4232-2A>G

Gene: ARID1B (AT-rich interaction domain 1B; plus strand). Cytogenetic location: 6q25.3.
Variant type: single nucleotide variant.
Coding change: c.4232-2A>G on transcript NM_001374828.1 (MANE Select); the canonical splice acceptor site of the intron before coding-DNA position 4232, A replaced by G.
Molecular consequence: splice acceptor variant.
Genome position (GRCh38, 1-based): chr6:157,196,163, A>G. VCF-style: chr6-157196163-A-G. GRCh37 (hg19) VCF-style: chr6-157517297-A-G.
Other names: c.4112-2A>G (NM_001371656.1, NM_001374820.1); c.4274-2A>G (NM_001438483.1); c.4115-2A>G (NM_001438486.1); c.4361-2A>G (NM_001438482.1); c.4073-2A>G (NM_017519.3); c.4052-2A>G (NM_001438487.1); c.4142-2A>G (NM_001438485.1); c.1733-2A>G (NM_001363725.2); and 1 more.
Identifiers: ClinVar variation 4281707 (VCV004281707.1).